The following is an entry in ClinVar:

NM_015311.3(OBSL1):c.2190C>G (p.Thr730=)

Gene: OBSL1 (obscurin like cytoskeletal adaptor 1; minus strand). Cytogenetic location: 2q35.
Variant type: single nucleotide variant.
Coding change: c.2190C>G on transcript NM_015311.3 (MANE Select); coding-DNA position 2190, C replaced by G.
Protein change: p.Thr730=; no amino-acid change (threonine 730 retained).
Molecular consequence: synonymous variant.
Genome position (GRCh38, 1-based): chr2:219,565,459, G>C on the plus strand (C>G on the coding strand, the complement: OBSL1 is on the minus strand). VCF-style: chr2-219565459-G-C. GRCh37 (hg19) VCF-style: chr2-220430181-G-C.
Other names: c.2190C>G, p.Thr730= (NM_001173408.2, NM_001173431.2).
Identifiers: ClinVar variation 789979 (VCV000789979.14), dbSNP rs368952984, ClinGen allele CA2131296.
Genomic context (GRCh38, chr2:219,565,459, plus strand): 5'-GTACCAGGTTGCCGGGAAGTCCACCCTTGAGAGCTCACAAGTCAGCACCACCCGCTCTGA[G>C]GTTGTGAAGGTCAACGACACCCTGTCCTGGGGGCTCAGGATGTGCACCGGGCTCTCTGTG-3'
Protein context (NP_056126.1, residues 720-740): PQDRVSLTFT[Thr730=]SERVVLTCEL

ClinVar aggregate classification (germline): Conflicting classifications of pathogenicity. Review status: criteria provided, conflicting classifications (1 of 4 stars). 5 submissions from 5 submitters: Uncertain significance (1); Benign (2); Likely benign (1). 1 of the submissions does not count toward it. Last evaluated 2026-01-28.

Conditions:
OBSL1-related disorder. Also called: OBSL1-related condition.

Allele frequency attached by ClinVar (database versions not stated): gnomAD exomes 0.00018 and 0.00058; ExAC 0.00070; 1000 Genomes Project 0.00120; 1000 Genomes Project 30x 0.00156; gnomAD 0.00208 and 0.00225; TOPMed 0.00244; ESP Exome Variant Server 0.00279.
gnomAD v4.1: 585 of 1,613,124 alleles (0.036%); highest among the groups gnomAD compares: African/African-American, 0.68%; 1 homozygote.

Submissions (5):

Labcorp Genetics (formerly Invitae), Labcorp
Classification: Benign. Last evaluated: 2026-01-28. Review status: criteria provided, single submitter. Criteria: Invitae Variant Classification Sherloc (09022015). Collection method: clinical testing. Allele origin: germline.

GeneDx
Classification: Uncertain significance. Last evaluated: 2024-11-07. Review status: criteria provided, single submitter. Criteria: GeneDx Variant Classification Process June 2021. Collection method: clinical testing. Allele origin: germline. Affected: yes.
Comment: In silico analysis indicates that this variant does not alter splicing; Has not been previously published as pathogenic or benign to our knowledge

Blueprint Genetics
Classification: Likely benign. Last evaluated: 2024-06-20. Review status: criteria provided, single submitter. Criteria: ACMG Guidelines, 2015. Collection method: clinical testing. Allele origin: germline.

Breakthrough Genomics
Classification: Benign. Review status: criteria provided, single submitter. Criteria: ACMG Guidelines, 2015. Collection method: not provided. Allele origin: germline. Inheritance: Autosomal recessive inheritance. Affected: yes.

PreventionGenetics, part of Exact Sciences
Classification: Benign for OBSL1-related condition. Last evaluated: 2020-02-25. Review status: no assertion criteria provided. Collection method: clinical testing. Allele origin: germline. Not counted in ClinVar's aggregate classification.
Comment: This variant is classified as benign based on ACMG/AMP sequence variant interpretation guidelines (Richards et al. 2015 PMID: 25741868, with internal and published modifications).